The following is an entry in ClinVar:

ClinVar aggregate classification (germline): Likely benign (1 of 4 stars; one submission).

Allele frequency attached by ClinVar (database versions not stated): 1000 Genomes Project 0.00040; 1000 Genomes Project 30x 0.00047; gnomAD exomes 0.00116; ESP Exome Variant Server 0.00155; gnomAD 0.00155; TOPMed 0.00201; ExAC 0.00206.
gnomAD v4.1: 2,073 of 1,610,152 alleles (0.13%); highest among the groups gnomAD compares: Middle Eastern, 1.6%; 8 homozygotes.

Submission:

CeGaT Center for Human Genetics Tuebingen
Classification: Likely benign. Last evaluated: 2022-08-01. Review status: criteria provided, single submitter. Criteria: CeGaT Center For Human Genetics Tuebingen Variant Classification Criteria Version 2. Collection method: clinical testing. Allele origin: germline. Affected: yes. Observed: 1 variant allele.
Comment: FBXL18: BP4

NM_024963.6(FBXL18):c.1206C>T (p.Gly402=)

Gene: FBXL18 (F-box and leucine rich repeat protein 18; minus strand). Cytogenetic location: 7p22.1.
Variant type: single nucleotide variant.
Coding change: c.1206C>T on transcript NM_024963.6 (MANE Select); coding-DNA position 1206, C replaced by T.
Protein change: p.Gly402=; no amino-acid change (glycine 402 retained).
Molecular consequence: synonymous variant.
Genome position (GRCh38, 1-based): chr7:5,501,063, G>A on the plus strand (C>T on the coding strand, the complement: FBXL18 is on the minus strand). VCF-style: chr7-5501063-G-A. GRCh37 (hg19) VCF-style: chr7-5540694-G-A.
Other names: c.1206C>T, p.Gly402= (NM_001321213.2, NM_001363441.2, NM_001363442.2); c.906C>T, p.Gly302= (NM_001367780.1, NM_001367781.1).
Identifiers: ClinVar variation 2657284 (VCV002657284.24), dbSNP rs376373414, ClinGen allele CA4146529.
Genomic context (GRCh38, chr7:5,501,063, plus strand): 5'-GACAGGCAGGGAGAGGGAGCGCAGGTGACGCAGCCGGGCCAGGAGCTGGCAGAGGTGGCG[G>A]CCCAGGCCCTCCGAGCTGTGGTGGTGGGCGGCCGAGAGGTTCAGGTGGCGCAGGTTGCAG-3'
Protein context (NP_079239.3, residues 392-412): AAHHHSSEGL[Gly402=]RHLCQLLARL